The following is an entry in ClinVar:

NM_015346.4(ZFYVE26):c.2504C>G (p.Ser835Ter)

Gene: ZFYVE26 (zinc finger FYVE-type containing 26; minus strand). Cytogenetic location: 14q24.1.
Variant type: single nucleotide variant.
Coding change: c.2504C>G on transcript NM_015346.4 (MANE Select); coding-DNA position 2504, C replaced by G.
Protein change: p.Ser835Ter; replaces serine 835 with a stop codon.
Molecular consequence: nonsense.
Genome position (GRCh38, 1-based): chr14:67,793,657, G>C on the plus strand (C>G on the coding strand, the complement: ZFYVE26 is on the minus strand). VCF-style: chr14-67793657-G-C. GRCh37 (hg19) VCF-style: chr14-68260374-G-C.
Other names: short protein forms S835*.
Identifiers: ClinVar variation 1074761 (VCV001074761.7), dbSNP rs2140237785, ClinGen allele CA390174294.

ClinVar aggregate classification (germline): Pathogenic (1 of 4 stars; one submission).

Conditions:
Spastic paraplegia. Identifiers: MedGen C0037772, HP:0001258.

Submission:

Labcorp Genetics (formerly Invitae), Labcorp
Classification: Pathogenic for Spastic paraplegia. Last evaluated: 2020-09-09. Review status: criteria provided, single submitter. Criteria: Invitae Variant Classification Sherloc (09022015). Collection method: clinical testing. Allele origin: germline.
Comment: For these reasons, this variant has been classified as Pathogenic. Loss-of-function variants in ZFYVE26 are known to be pathogenic (PMID: 18394578, 19805727). This variant has not been reported in the literature in individuals with ZFYVE26-related conditions. This variant is not present in population databases (ExAC no frequency). This sequence change creates a premature translational stop signal (p.Ser835*) in the ZFYVE26 gene. It is expected to result in an absent or disrupted protein product.

Literature cited by the submitters: PubMed 18394578; PubMed 19805727.